The following is an entry in ClinVar:

NM_015338.6(ASXL1):c.1549C>G (p.Gln517Glu)

Gene: ASXL1 (ASXL transcriptional regulator 1; plus strand). Cytogenetic location: 20q11.21.
Variant type: single nucleotide variant.
Coding change: c.1549C>G on transcript NM_015338.6 (MANE Select); coding-DNA position 1549, C replaced by G.
Protein change: p.Gln517Glu; replaces glutamine 517 with glutamic acid.
Molecular consequence: missense variant.
Genome position (GRCh38, 1-based): chr20:32,433,747, C>G. VCF-style: chr20-32433747-C-G. GRCh37 (hg19) VCF-style: chr20-31021550-C-G.
Other names: c.1366C>G, p.Gln456Glu (NM_001363734.1); short protein forms Q517E, Q456E.
Identifiers: ClinVar variation 4588611 (VCV004588611.1).

ClinVar aggregate classification (germline): Uncertain significance (1 of 4 stars; one submission).

Conditions:
Inborn genetic diseases. Identifiers: MedGen C0950123, MeSH D030342.

Submission:

Ambry Genetics
Classification: Uncertain significance for Inborn genetic diseases. Last evaluated: 2025-11-16. Review status: criteria provided, single submitter. Criteria: Ambry Variant Classification Scheme 2023. Collection method: clinical testing. Allele origin: germline.
Comment: The p.Q517E variant (also known as c.1549C>G), located in coding exon 12 of the ASXL1 gene, results from a C to G substitution at nucleotide position 1549. The glutamine at codon 517 is replaced by glutamic acid, an amino acid with highly similar properties. This amino acid position is conserved. In addition, this alteration is predicted to be tolerated by in silico analysis. Based on the available evidence, the clinical significance of this variant remains unclear.